The following is an entry in ClinVar:

ClinVar aggregate classification (germline): Benign. Review status: criteria provided, multiple submitters, no conflicts (2 of 4 stars). 2 submissions from 2 submitters: Benign (2). Last evaluated 2018-01-12.

Conditions:
Smith-Lemli-Opitz syndrome (SLOS). Also called: LETHAL ACRODYSGENITAL SYNDROME; POLYDACTYLY, SEX REVERSAL, RENAL HYPOPLASIA, AND UNILOBAR LUNG; RSH SYNDROME; RUTLEDGE LETHAL MULTIPLE CONGENITAL ANOMALY SYNDROME; 7-Dehydrocholesterol reductase deficiency. Identifiers: Orphanet 818, MedGen C0175694, MONDO:0010035, OMIM 270400.

Allele frequency attached by ClinVar (database versions not stated): 1000 Genomes Project 30x 0.76999; 1000 Genomes Project 0.77356; gnomAD exomes 0.82728; TOPMed 0.84459; gnomAD 0.85816 and 0.86392.
gnomAD v4.1: 141,129 of 164,736 alleles (86%); highest among the groups gnomAD compares: Non-Finnish European, 95%; 61,546 homozygotes.

Submissions (2):

Illumina Laboratory Services, Illumina
Classification: Benign for Smith-Lemli-Opitz syndrome. Last evaluated: 2018-01-12. Review status: criteria provided, single submitter. Criteria: ICSL Variant Classification Criteria 13 December 2019. Collection method: clinical testing. Allele origin: germline.
Comment: This variant was observed in the ICSL laboratory as part of a predisposition screen in an ostensibly healthy population. It had not been previously curated by ICSL or reported in the Human Gene Mutation Database (HGMD: prior to June 1st, 2018), and was therefore a candidate for classification through an automated scoring system. Utilizing variant allele frequency, disease prevalence and penetrance estimates, and inheritance mode, an automated score was calculated to assess if this variant is too frequent to cause the disease. Based on the score and internal cut-off values, a variant classified as benign is not then subjected to further curation. The score for this variant resulted in a classification of benign for this disease.

Breakthrough Genomics
Classification: Benign. Review status: criteria provided, single submitter. Criteria: ACMG Guidelines, 2015. Collection method: not provided. Allele origin: germline. Inheritance: Autosomal recessive inheritance. Affected: yes.

NM_001360.3(DHCR7):c.*734A>G

Gene: DHCR7 (7-dehydrocholesterol reductase; minus strand). Cytogenetic location: 11q13.4.
Variant type: single nucleotide variant.
Coding change: c.*734A>G on transcript NM_001360.3 (MANE Select); 734 bases downstream of the stop codon, A replaced by G.
Molecular consequence: 3 prime UTR variant.
Genome position (GRCh38, 1-based): chr11:71,434,641, T>C on the plus strand (A>G on the coding strand, the complement: DHCR7 is on the minus strand). VCF-style: chr11-71434641-T-C. GRCh37 (hg19) VCF-style: chr11-71145687-T-C.
Other names: c.*734A>G (NM_001163817.2).
Identifiers: ClinVar variation 305936 (VCV000305936.6), dbSNP rs7690, ClinGen allele CA10631479.